The following is an entry in ClinVar:

ClinVar aggregate classification (germline): Uncertain significance. Review status: criteria provided, multiple submitters, no conflicts (2 of 4 stars). 2 submissions from 2 submitters: Uncertain significance (2). Last evaluated 2024-03-12.

Conditions:
Severe combined immunodeficiency due to DNA-PKcs deficiency. Also called: IMMUNODEFICIENCY 26 WITH NEUROLOGIC ABNORMALITIES; Immunodeficiency 26 with or without neurologic abnormalities. Identifiers: Orphanet 317425, MedGen C4014833, MONDO:0014423, OMIM 615966.

Allele frequency attached by ClinVar (database versions not stated): TOPMed below 0.00001; ExAC 0.00001; gnomAD 0.00001; gnomAD exomes 0.00001.
gnomAD v4.1: 14 of 1,599,340 alleles (0.00088%); highest among the groups gnomAD compares: Non-Finnish European, 0.001%; no homozygotes.

Submissions (2):

Labcorp Genetics (formerly Invitae), Labcorp
Classification: Uncertain significance for Severe combined immunodeficiency due to DNA-PKcs deficiency. Last evaluated: 2024-03-12. Review status: criteria provided, single submitter. Criteria: Invitae Variant Classification Sherloc (09022015). Collection method: clinical testing. Allele origin: germline.
Comment: This sequence change replaces valine, which is neutral and non-polar, with alanine, which is neutral and non-polar, at codon 1195 of the PRKDC protein (p.Val1195Ala). This variant is present in population databases (rs751372219, gnomAD 0.002%). This variant has not been reported in the literature in individuals affected with PRKDC-related conditions. ClinVar contains an entry for this variant (Variation ID: 1474070). Advanced modeling of protein sequence and biophysical properties (such as structural, functional, and spatial information, amino acid conservation, physicochemical variation, residue mobility, and thermodynamic stability) performed at Invitae indicates that this missense variant is not expected to disrupt PRKDC protein function with a negative predictive value of 80%. In summary, the available evidence is currently insufficient to determine the role of this variant in disease. Therefore, it has been classified as a Variant of Uncertain Significance.

Ambry Genetics
Classification: Uncertain significance. Last evaluated: 2021-07-04. Review status: criteria provided, single submitter. Criteria: Ambry Variant Classification Scheme 2023. Collection method: clinical testing. Allele origin: germline.
Comment: The p.V1195A variant (also known as c.3584T>C), located in coding exon 30 of the PRKDC gene, results from a T to C substitution at nucleotide position 3584. The valine at codon 1195 is replaced by alanine, an amino acid with similar properties. This amino acid position is conserved. In addition, the in silico prediction for this alteration is inconclusive. Since supporting evidence is limited at this time, the clinical significance of this alteration remains unclear.

NM_006904.7(PRKDC):c.3584T>C (p.Val1195Ala)

Gene: PRKDC (protein kinase, DNA-activated, catalytic subunit; minus strand). Cytogenetic location: 8q11.21.
Variant type: single nucleotide variant.
Coding change: c.3584T>C on transcript NM_006904.7 (MANE Select); coding-DNA position 3584, T replaced by C.
Protein change: p.Val1195Ala; replaces valine 1195 with alanine.
Molecular consequence: missense variant.
Genome position (GRCh38, 1-based): chr8:47,897,175, A>G on the plus strand (T>C on the coding strand, the complement: PRKDC is on the minus strand). VCF-style: chr8-47897175-A-G. GRCh37 (hg19) VCF-style: chr8-48809735-A-G.
Other names: c.3584T>C, p.Val1195Ala (NM_001081640.2); short protein forms V1195A.
Identifiers: ClinVar variation 1474070 (VCV001474070.7), dbSNP rs751372219, ClinGen allele CA4741141.